The following is an entry in ClinVar:

ClinVar aggregate classification (germline): Conflicting classifications of pathogenicity. Review status: criteria provided, conflicting classifications (1 of 4 stars). 7 submissions from 6 submitters: Pathogenic (2); Likely pathogenic (3); Uncertain significance (2). Last evaluated 2024-11-17.

Conditions:
Fetal akinesia deformation sequence 3. Identifiers: MedGen C4760599, MONDO:0100103, OMIM 618389.
Fetal akinesia deformation sequence 1 (FADS1). Also called: Pena-Shokeir syndrome type I; Fetal akinesia sequence. Identifiers: Orphanet 994, MedGen C1276035, MONDO:0100101, OMIM 208150, HP:0001989.
Congenital myasthenic syndrome 10. Also called: Myasthenia, limb-girdle, familial. Identifiers: Orphanet 590, MedGen C1850792, MONDO:0009690, OMIM 254300.
Congenital myasthenic syndrome (CMS). Also called: Congenital Myasthenic Syndromes. Identifiers: Orphanet 590, MedGen C0751882, MeSH D020294, MONDO:0018940.

Allele frequency attached by ClinVar (database versions not stated): gnomAD 0.00001; gnomAD exomes 0.00001 and 0.00004; ExAC 0.00002; TOPMed 0.00003.
gnomAD v4.1: 16 of 1,613,712 alleles (0.00099%); highest among the groups gnomAD compares: Admixed American, 0.013%; no homozygotes.

Submissions (7):

GeneDx
Classification: Uncertain significance. Last evaluated: 2024-11-17. Review status: criteria provided, single submitter. Criteria: GeneDx Variant Classification Process June 2021. Collection method: clinical testing. Allele origin: germline. Affected: yes.
Comment: Reported with a second DOK7 variant, phase unknown, in a patient with congenital myasthenia in published literature (PMID: 22661499); Published functional studies demonstrate significantly decreased AChR cluster formation in p.(G161R) expressing cells (PMID: 22661499); In silico analysis supports that this missense variant has a deleterious effect on protein structure/function; This variant is associated with the following publications: (PMID: 20012313, 20603078, 26198629, 33146414, 22661499)

Women's Health and Genetics/Laboratory Corporation of America, LabCorp
Classification: Likely pathogenic for Congenital myasthenic syndrome. Last evaluated: 2024-03-22. Review status: criteria provided, single submitter. Criteria: LabCorp Variant Classification Summary - May 2015. Collection method: clinical testing. Allele origin: germline.
Comment: Variant summary: DOK7 c.481G>A (p.Gly161Arg) results in a non-conservative amino acid change located in the IRS-type PTB domain (IPR002404) of the encoded protein sequence. Five of five in-silico tools predict a damaging effect of the variant on protein function. The variant allele was found at a frequency of 4e-05 in 250800 control chromosomes. This frequency is not significantly higher than estimated for a pathogenic variant in DOK7 causing Congenital Myasthenic Syndrome (4e-05 vs 0.0014), allowing no conclusion about variant significance. c.481G>A has been reported in the literature in at least two compound heterozygous individuals affected with clinical features of Congenital Myasthenic Syndrome (e.g., Cossins_2012, Herman_2021). At least one publication reports experimental evidence evaluating an impact on protein function. AChR clustering assays demonstated the variant results in a significant reduction in the number of clusters when compared to wild type. The following publications have been ascertained in the context of this evaluation (PMID: 22661499, 33146414). ClinVar contains an entry for this variant (Variation ID: 560991). Based on the evidence outlined above, the variant was classified as likely pathogenic.

Baylor Genetics
Classification: Pathogenic for Fetal akinesia deformation sequence 3. Last evaluated: 2024-03-11. Review status: criteria provided, single submitter. Criteria: ACMG Guidelines, 2015. Collection method: clinical testing. Allele origin: unknown.

3billion
Classification: Likely pathogenic for Congenital myasthenic syndrome 10. Last evaluated: 2024-02-26. Review status: criteria provided, single submitter. Criteria: ACMG Guidelines, 2015. Collection method: clinical testing. Allele origin: germline. Affected: yes.
Comment: The variant is observed at an extremely low frequency in the gnomAD v2.1.1 dataset (total allele frequency: 0.004%). Predicted Consequence/Location: The majority of the known disease-causing variants of this gene are variants expected to result in premature termination of the protein. In silico tool predictions suggest damaging effect of the variant on gene or gene product [REVEL: 0.86 (>=0.6, sensitivity 0.68 and specificity 0.92); 3Cnet: 0.92 (>=0.6, sensitivity 0.72 and precision 0.9)]. Same nucleotide change resulting in same amino acid change has been previously reported as pathogenic/likely pathogenic with strong evidence (ClinVar ID: VCV000560991 /PMID: 22661499). Therefore, this variant is classified as Likely pathogenic according to the recommendation of ACMG/AMP guideline.

Labcorp Genetics (formerly Invitae), Labcorp
Classification: Uncertain significance for Congenital myasthenic syndrome 10; Fetal akinesia deformation sequence 1. Last evaluated: 2022-08-16. Review status: criteria provided, single submitter. Criteria: Invitae Variant Classification Sherloc (09022015). Collection method: clinical testing. Allele origin: germline.
Comment: This sequence change replaces glycine, which is neutral and non-polar, with arginine, which is basic and polar, at codon 161 of the DOK7 protein (p.Gly161Arg). This variant is present in population databases (rs758131044, gnomAD 0.02%). This missense change has been observed in individual(s) with congenital myasthenic syndrome (PMID: 22661499, 33146414). ClinVar contains an entry for this variant (Variation ID: 560991). Advanced modeling of protein sequence and biophysical properties (such as structural, functional, and spatial information, amino acid conservation, physicochemical variation, residue mobility, and thermodynamic stability) performed at Invitae indicates that this missense variant is expected to disrupt DOK7 protein function. Experimental studies have shown that this missense change affects DOK7 function (PMID: 22661499). Algorithms developed to predict the effect of sequence changes on RNA splicing suggest that this variant may create or strengthen a splice site. In summary, the available evidence is currently insufficient to determine the role of this variant in disease. Therefore, it has been classified as a Variant of Uncertain Significance.

Revvity Omics, Revvity
Classification: Likely pathogenic. Last evaluated: 2019-03-15. Review status: criteria provided, single submitter. Criteria: ACMG Guidelines, 2015. Collection method: clinical testing. Allele origin: germline.

Baylor Genetics
Classification: Pathogenic for Congenital myasthenic syndrome 10. Last evaluated: 2017-09-01. Review status: criteria provided, single submitter. Criteria: ACMG Guidelines, 2015. Collection method: clinical testing. Allele origin: paternal. Inheritance: Autosomal recessive inheritance. Affected: yes.
Comment: This mutation has been previously reported as disease-causing and was found once in our laboratory in trans with another pathogenic mutation in 2 patients with myopathy.

Literature cited by the submitters: PubMed 22661499 (cited by 4 submitters); PubMed 33146414 (cited by Women's Health and Genetics/Laboratory Corporation of America, LabCorp and Labcorp Genetics (formerly Invitae), Labcorp); PubMed 25326635 (cited by Baylor Genetics).

NM_173660.5(DOK7):c.481G>A (p.Gly161Arg)

Gene: DOK7 (docking protein 7; plus strand). Cytogenetic location: 4p16.3.
Variant type: single nucleotide variant.
Coding change: c.481G>A on transcript NM_173660.5 (MANE Select); coding-DNA position 481, G replaced by A.
Protein change: p.Gly161Arg; replaces glycine 161 with arginine.
Molecular consequence: missense variant. On other transcripts: intron variant (1).
Genome position (GRCh38, 1-based): chr4:3,476,491, G>A. VCF-style: chr4-3476491-G-A. GRCh37 (hg19) VCF-style: chr4-3478218-G-A.
Other names: c.481G>A, p.Gly161Arg (NM_001164673.2, NM_001301071.2); c.101-9048G>A (NM_001363811.2); short protein forms G161R.
Identifiers: ClinVar variation 560991 (VCV000560991.18), dbSNP rs758131044, ClinGen allele CA2829010.